The following is an entry in ClinVar:

NC_000005.9:g.(?_37045525)_(37048797_?)del

Gene: NIPBL (NIPBL cohesin loading factor; plus strand). Cytogenetic location: 5p13.2.
Variant type: Deletion.
Identifiers: ClinVar variation 1066821 (VCV001066821.7).

ClinVar aggregate classification (germline): Likely pathogenic (1 of 4 stars; one submission).

Conditions:
Cornelia de Lange syndrome 1 (CDLS1). Also called: Brachmann de Lange syndrome; TYPUS DEGENERATIVUS AMSTELODAMENSIS; NIPBL-Related Cornelia de Lange Syndrome. Identifiers: Orphanet 199, MedGen C4551851, MONDO:0007387, OMIM 122470.

Submission:

Labcorp Genetics (formerly Invitae), Labcorp
Classification: Likely pathogenic for Cornelia de Lange syndrome 1. Last evaluated: 2016-10-31. Review status: criteria provided, single submitter. Criteria: Invitae Variant Classification Sherloc (09022015). Collection method: clinical testing. Allele origin: germline.
Comment: In summary, this is a novel deletion that eliminates important amino acid residues. This evidence indicates that the variant is pathogenic, but additional data is needed to prove that conclusively. Therefore, this variant has been classified as Likely Pathogenic. Multiple different missense substitutions (p.Leu2144Phe, p.Thr2146Pro, p.Leu2150Pro, p.Tyr2216Ser, p.Asn2236Ile) at codons within exons 37-39 have been classified as pathogenic (PMID: 17106445, 20358602, 15591270, 26701315, 24635725). This suggests that these residues are critical for NIPBL protein function, and that deletion of this region is deleterious. This variant has not been reported in the literature in individuals with a NIPBL-related disease. This variant is a gross deletion of the genomic region encompassing most of exons 37 to 39 of the NIPBL gene. The 5' breakpoint of this deletion is 3 nucleotides from the beginning of exon 37, and the 3' breakpoint is within intron 39. This deletion is expected to result in an absent or disrupted protein product.

Literature cited by the submitters: PubMed 17106445; PubMed 20358602; PubMed 15591270; PubMed 26701315; PubMed 24635725.